The following is an entry in ClinVar:

NM_000112.4(SLC26A2):c.1535_1536del (p.Thr512fs)

Gene: SLC26A2 (solute carrier family 26 member 2; plus strand). Cytogenetic location: 5q32.
Variant type: Deletion.
Coding change: c.1535_1536del on transcript NM_000112.4 (MANE Select); coding-DNA positions 1535 to 1536, 2 bases deleted (CA; older notation c.1535_1536delCA).
Protein change: p.Thr512fs; shifts the reading frame from threonine 512.
Molecular consequence: frameshift variant.
Genome position (GRCh38, 1-based): chr5:149,981,128-149,981,129, CA deleted; deleting any 2 consecutive bases within chr5:149,981,127-149,981,129 gives the same sequence; the c. name uses the placement nearest the transcript's 3' end. VCF-style (leftmost placement, unchanged base first): chr5-149981126-TAC-T. GRCh37 (hg19) VCF-style: chr5-149360689-TAC-T.
Other names: short protein forms T512fs.
Identifiers: ClinVar variation 3752111 (VCV003752111.2).
Genomic context (GRCh38, chr5:149,981,126, plus strand): 5'-ACGGGGAGCCCTTCGTAAATTTAGGGATCTTCCCAAAATGTGGAGTATTAGTAGAATGGA[TAC>T]AGTTATCTGGTTTGTTACTATGCTGTCCTCTGCACTGCTAAGTACTGAAATAGGCCTACT-3'

ClinVar aggregate classification (germline): Pathogenic (1 of 4 stars; one submission).

Conditions:
Diastrophic dysplasia (DTD). Also called: Diastrophic dwarfism. Identifiers: Orphanet 628, MedGen C0220726, MONDO:0009107, OMIM 222600.
Multiple epiphyseal dysplasia type 4 (EDM4). Also called: Multiple Epiphyseal Dysplasia, Recessive; MULTIPLE EPIPHYSEAL DYSPLASIA WITH BILAYERED PATELLAE; MULTIPLE EPIPHYSEAL DYSPLASIA WITH CLUBFOOT; MULTIPLE EPIPHYSEAL DYSPLASIA, AUTOSOMAL RECESSIVE; SLC26A2-Related Multiple Epiphyseal Dysplasia. Identifiers: Orphanet 93307, MedGen C1847593, MONDO:0009189, OMIM 226900.
Achondrogenesis, type IB (ACG1B). Also called: Achondrogenesis Type 1B. Identifiers: Orphanet 932, Orphanet 93298, MedGen C0265274, MONDO:0010966, OMIM 600972.
Atelosteogenesis type II (AO2). Also called: NEONATAL OSSEOUS DYSPLASIA I; Neonatal osseous dysplasia 1; SLC26A2-Related Atelosteogenesis. Identifiers: Orphanet 56304, MedGen C1850554, MONDO:0009727, OMIM 256050.

Submission:

Labcorp Genetics (formerly Invitae), Labcorp
Classification: Pathogenic for Atelosteogenesis type II; Multiple epiphyseal dysplasia type 4; Achondrogenesis, type IB; Diastrophic dysplasia. Last evaluated: 2024-02-19. Review status: criteria provided, single submitter. Criteria: Invitae Variant Classification Sherloc (09022015). Collection method: clinical testing. Allele origin: germline.
Comment: This sequence change creates a premature translational stop signal (p.Thr512Serfs*16) in the SLC26A2 gene. While this is not anticipated to result in nonsense mediated decay, it is expected to disrupt the last 228 amino acid(s) of the SLC26A2 protein. This variant is present in population databases (no rsID available, gnomAD 0.0009%). This variant has not been reported in the literature in individuals affected with SLC26A2-related conditions. This variant disrupts a region of the SLC26A2 protein in which other variant(s) (p.Glu703Glyfs*9) have been determined to be pathogenic (Invitae). This suggests that this is a clinically significant region of the protein, and that variants that disrupt it are likely to be disease-causing. For these reasons, this variant has been classified as Pathogenic.